The following is an entry in ClinVar:

ClinVar aggregate classification (germline): Uncertain significance (1 of 4 stars; one submission).

Conditions:
Familial thoracic aortic aneurysm and aortic dissection (TAAD). Also called: Thoracic aortic aneurysms and dissections. Identifiers: Orphanet 91387, MedGen C4707243, MONDO:0019625.

Submission:

Ambry Genetics
Classification: Uncertain significance for Familial thoracic aortic aneurysm and aortic dissection. Last evaluated: 2022-08-03. Review status: criteria provided, single submitter. Criteria: Ambry Variant Classification Scheme 2023. Collection method: clinical testing. Allele origin: germline.
Comment: The p.V1207M variant (also known as c.3619G>A), located in coding exon 21 of the FLNA gene, results from a G to A substitution at nucleotide position 3619. The valine at codon 1207 is replaced by methionine, an amino acid with highly similar properties. This amino acid position is highly conserved in available vertebrate species. In addition, this alteration is predicted to be deleterious by in silico analysis. Since supporting evidence is limited at this time, the clinical significance of this alteration remains unclear.

NM_001110556.2(FLNA):c.3619G>A (p.Val1207Met)

Gene: FLNA (filamin A; minus strand). Cytogenetic location: Xq28.
Variant type: single nucleotide variant.
Coding change: c.3619G>A on transcript NM_001110556.2 (MANE Select); coding-DNA position 3619, G replaced by A.
Protein change: p.Val1207Met; replaces valine 1207 with methionine.
Molecular consequence: missense variant.
Genome position (GRCh38, 1-based): chrX:154,360,176, C>T on the plus strand (G>A on the coding strand, the complement: FLNA is on the minus strand). VCF-style: chrX-154360176-C-T. GRCh37 (hg19) VCF-style: chrX-153588544-C-T.
Other names: c.3619G>A, p.Val1207Met (NM_001456.4); short protein forms V1207M.
Identifiers: ClinVar variation 1733293 (VCV001733293.2), dbSNP rs2522740769, ClinGen allele CA415223925.
Genomic context (GRCh38, chrX:154,360,176, plus strand): 5'-CGGGGCAGAGGGGAATGTAGGTAATGGTGTGCGTGCCATCACCGTGGTCCTGGATGTACA[C>T]CTCGGCCGGAAGCCCCGCCTCCGAGCAGATCTCAATGGTCAGCTCCGCGCTGCCCGCGCT-3'
Protein context (NP_001104026.1, residues 1197-1217): ICSEAGLPAE[Val1207Met]YIQDHGDGTH